The following is an entry in ClinVar:

ClinVar aggregate classification (germline): Likely pathogenic. Review status: criteria provided, multiple submitters, no conflicts (2 of 4 stars). 2 submissions from 2 submitters: Likely pathogenic (2). Last evaluated 2025-09-25.

Conditions:
Ciliary dyskinesia, primary, 37 (CILD37). Also called: CILIARY DYSKINESIA, PRIMARY, 37, WITH OR WITHOUT SITUS INVERSUS. Identifiers: MedGen C4539798, MONDO:0033204, OMIM 617577.
Spermatogenic failure 18. Identifiers: MedGen C4539783, MONDO:0054615, OMIM 617576.

Allele frequency attached by ClinVar (database versions not stated): gnomAD exomes below 0.00001 and 0.00002; gnomAD 0.00001; TOPMed 0.00001; ExAC 0.00002; ESP Exome Variant Server 0.00008.
gnomAD v4.1: 8 of 1,613,648 alleles (0.0005%); highest among the groups gnomAD compares: Admixed American, 0.0067%; no homozygotes.

Submissions (3):

Labcorp Genetics (formerly Invitae), Labcorp
Classification: Likely pathogenic for Ciliary dyskinesia, primary, 37; Spermatogenic failure 18. Last evaluated: 2025-09-25. Review status: criteria provided, single submitter. Criteria: Invitae Variant Classification Sherloc (09022015). Collection method: clinical testing. Allele origin: germline.
Comment: This sequence change affects a donor splice site in intron 32 of the DNAH1 gene. It is expected to disrupt RNA splicing. Variants that disrupt the donor or acceptor splice site typically lead to a loss of protein function (PMID: 16199547), and loss-of-function variants in DNAH1 are known to be pathogenic (PMID: 27573432, 27798045). This variant is present in population databases (rs369746640, gnomAD 0.003%). This variant has not been reported in the literature in individuals affected with DNAH1-related conditions. ClinVar contains an entry for this variant (Variation ID: 950848). Algorithms developed to predict the effect of sequence changes on RNA splicing suggest that this variant may disrupt the consensus splice site. In summary, the currently available evidence indicates that the variant is pathogenic, but additional data are needed to prove that conclusively. Therefore, this variant has been classified as Likely Pathogenic.

Johns Hopkins Genomics, Johns Hopkins University
Classification: Likely pathogenic for Ciliary dyskinesia, primary, 37. Last evaluated: 2022-04-04. Review status: criteria provided, single submitter. Criteria: ACMG Guidelines, 2015. Collection method: clinical testing. Allele origin: germline.
Comment: This DNAH1 canonical splice site variant (rs369746640) is rare (<0.1%) in a large population dataset (gnomAD: 4/248936 total alleles; 0.001607%; no homozygotes) and has not been reported in the literature in individuals with primary ciliary dyskinesia, to our knowledge. It has been reported in ClinVar (Variation ID: 950848). This variant alters a canonical splice donor site and is predicted to cause abnormal gene splicing. We consider this variant to be likely pathogenic.

Dr. Peter K. Rogan Lab, Western University
No classification provided (evidence only). Condition: Ovarian serous cystadenocarcinoma. Review status: no classification provided. Collection method: in vitro. Allele origin: not applicable. Functional consequence: retained intron. Not counted in ClinVar's aggregate classification.

Literature cited by the submitters: PubMed 16199547 (cited by Labcorp Genetics (formerly Invitae), Labcorp); PubMed 27573432 (cited by Labcorp Genetics (formerly Invitae), Labcorp); PubMed 27798045 (cited by Labcorp Genetics (formerly Invitae), Labcorp).

NM_015512.5(DNAH1):c.5244+1G>A

Gene: DNAH1 (dynein axonemal heavy chain 1; plus strand). Cytogenetic location: 3p21.1.
Variant type: single nucleotide variant.
Coding change: c.5244+1G>A on transcript NM_015512.5 (MANE Select); the canonical splice donor site of the intron after coding-DNA position 5244, G replaced by A.
Molecular consequence: splice donor variant.
Genome position (GRCh38, 1-based): chr3:52,363,145, G>A. VCF-style: chr3-52363145-G-A. GRCh37 (hg19) VCF-style: chr3-52397161-G-A.
Identifiers: ClinVar variation 950848 (VCV000950848.7), dbSNP rs369746640, ClinGen allele CA2434129.